The following is an entry in ClinVar:

ClinVar aggregate classification (germline): Uncertain significance (1 of 4 stars; one submission).

Conditions:
DICER1-related tumor predisposition. Also called: DICER1 syndrome; DICER1-related pleuropulmonary blastoma cancer predisposition syndrome. Identifiers: Orphanet 284343, MedGen C3839822, MONDO:0100216.

Submission:

Labcorp Genetics (formerly Invitae), Labcorp
Classification: Uncertain significance for DICER1-related tumor predisposition. Last evaluated: 2023-11-01. Review status: criteria provided, single submitter. Criteria: Invitae Variant Classification Sherloc (09022015). Collection method: clinical testing. Allele origin: germline.
Comment: This sequence change replaces tyrosine, which is neutral and polar, with histidine, which is basic and polar, at codon 1511 of the DICER1 protein (p.Tyr1511His). This variant is not present in population databases (gnomAD no frequency). This variant has not been reported in the literature in individuals affected with DICER1-related conditions. An algorithm developed to predict the effect of missense changes on protein structure and function (PolyPhen-2) suggests that this variant is likely to be disruptive. In summary, the available evidence is currently insufficient to determine the role of this variant in disease. Therefore, it has been classified as a Variant of Uncertain Significance.

NM_177438.3(DICER1):c.4531T>C (p.Tyr1511His)

Gene: DICER1 (dicer 1, ribonuclease III; minus strand). Cytogenetic location: 14q32.13.
Variant type: single nucleotide variant.
Coding change: c.4531T>C on transcript NM_177438.3 (MANE Select); coding-DNA position 4531, T replaced by C.
Protein change: p.Tyr1511His; replaces tyrosine 1511 with histidine.
Molecular consequence: missense variant. On other transcripts: non-coding transcript variant (6).
Genome position (GRCh38, 1-based): chr14:95,096,389, A>G on the plus strand (T>C on the coding strand, the complement: DICER1 is on the minus strand). VCF-style: chr14-95096389-A-G. GRCh37 (hg19) VCF-style: chr14-95562726-A-G.
Other names: c.4531T>C, p.Tyr1511His (NM_001195573.1, NM_001271282.3, NM_001291628.2 and 13 more transcripts); c.4249T>C, p.Tyr1417His (NM_001395686.1); c.4126T>C, p.Tyr1376His (NM_001395687.1, NM_001395688.1, NM_001395689.1 and 2 more transcripts); c.3964T>C, p.Tyr1322His (NM_001395691.1); c.2848T>C, p.Tyr950His (NM_001395697.1); short protein forms Y1417H, Y1376H, Y1322H, Y1511H, Y950H.
Identifiers: ClinVar variation 2773126 (VCV002773126.3), dbSNP rs2542498002, ClinGen allele CA390867930.